The following is an entry in ClinVar:

NM_002454.3(MTRR):c.239C>G (p.Thr80Arg)

Gene: MTRR (5-methyltetrahydrofolate-homocysteine methyltransferase reductase; plus strand). Cytogenetic location: 5p15.31.
Variant type: single nucleotide variant.
Coding change: c.239C>G on transcript NM_002454.3 (MANE Select); coding-DNA position 239, C replaced by G.
Protein change: p.Thr80Arg; replaces threonine 80 with arginine.
Molecular consequence: missense variant. On other transcripts: non-coding transcript variant (8).
Genome position (GRCh38, 1-based): chr5:7,873,482, C>G. VCF-style: chr5-7873482-C-G. GRCh37 (hg19) VCF-style: chr5-7873595-C-G.
Other names: c.239C>G, p.Thr80Arg (NM_001364440.2, NM_001364441.2, NM_001364442.2 and 1 more transcripts); short protein forms T80R.
Identifiers: ClinVar variation 3368251 (VCV003368251.2).

ClinVar aggregate classification (germline): Uncertain significance. Review status: criteria provided, multiple submitters, no conflicts (2 of 4 stars). 2 submissions from 2 submitters: Uncertain significance (2). Last evaluated 2024-12-05.

Conditions:
Inborn genetic diseases. Identifiers: MedGen C0950123, MeSH D030342.

Submissions (2):

Ambry Genetics
Classification: Uncertain significance for Inborn genetic diseases. Last evaluated: 2024-12-05. Review status: criteria provided, single submitter. Criteria: Ambry Variant Classification Scheme 2023. Collection method: clinical testing. Allele origin: germline.

GeneDx
Classification: Uncertain significance. Last evaluated: 2024-01-25. Review status: criteria provided, single submitter. Criteria: GeneDx Variant Classification Process June 2021. Collection method: clinical testing. Allele origin: germline. Affected: yes.
Comment: Not observed at significant frequency in large population cohorts (gnomAD); In silico analysis supports that this missense variant has a deleterious effect on protein structure/function; Has not been previously published as pathogenic or benign to our knowledge